The following is an entry in ClinVar:

NM_144687.4(NLRP12):c.2574_2580del (p.Arg859fs)

Gene: NLRP12 (NLR family pyrin domain containing 12; minus strand). Cytogenetic location: 19q13.42.
Variant type: Deletion.
Coding change: c.2574_2580del on transcript NM_144687.4 (MANE Select); coding-DNA positions 2574 to 2580, 7 bases deleted (ACGGACT; older notation c.2574_2580delACGGACT).
Protein change: p.Arg859fs; shifts the reading frame from arginine 859.
Molecular consequence: frameshift variant.
Genome position (GRCh38, 1-based): chr19:53,803,957-53,803,963, AGTCCGT deleted on the plus strand (ACGGACT on the coding strand, the reverse complement: NLRP12 is on the minus strand); deleting any 7 consecutive bases within chr19:53,803,957-53,803,967 gives the same sequence; the c. name uses the placement nearest the transcript's 3' end. VCF-style (leftmost placement, unchanged base first): chr19-53803956-AAGTCCGT-A. GRCh37 (hg19) VCF-style: chr19-54307210-AAGTCCGT-A.
Other names: c.2577_2583del, p.Arg860fs (NM_001277126.2); c.2574_2580del, p.Arg859fs (NM_001277129.1); short protein forms R859fs, R860fs.
Identifiers: ClinVar variation 3722459 (VCV003722459.2).

ClinVar aggregate classification (germline): Uncertain significance (1 of 4 stars; one submission).

Conditions:
Familial cold autoinflammatory syndrome 2 (FCAS2). Identifiers: Orphanet 247868, MedGen C2673198, MONDO:0012724, OMIM 611762.

Submission:

Labcorp Genetics (formerly Invitae), Labcorp
Classification: Uncertain significance for Familial cold autoinflammatory syndrome 2. Last evaluated: 2024-10-08. Review status: criteria provided, single submitter. Criteria: Invitae Variant Classification Sherloc (09022015). Collection method: clinical testing. Allele origin: germline.
Comment: This sequence change creates a premature translational stop signal (p.Arg859Cysfs*3) in the NLRP12 gene. It is expected to result in an absent or disrupted protein product. However, the current clinical and genetic evidence is not sufficient to establish whether loss-of-function variants in NLRP12 cause disease. This variant is not present in population databases (gnomAD no frequency). This variant has not been reported in the literature in individuals affected with NLRP12-related conditions. In summary, the available evidence is currently insufficient to determine the role of this variant in disease. Therefore, it has been classified as a Variant of Uncertain Significance.